The following is an entry in ClinVar:

ClinVar aggregate classification (germline): Likely pathogenic (0 of 4 stars; one submission).

Conditions:
RAI1-related disorder. Also called: RAI1-related condition.

Submission:

PreventionGenetics, part of Exact Sciences
Classification: Likely pathogenic for RAI1-related condition. Last evaluated: 2024-08-30. Review status: no assertion criteria provided. Collection method: clinical testing. Allele origin: germline.
Comment: The RAI1 c.3467delT variant is predicted to result in a frameshift and premature protein termination (p.Phe1156Serfs*44). To our knowledge, this variant has not been reported in the literature or in a large population database, indicating this variant is rare. Frameshift variants in RAI1 are expected to be pathogenic. This variant is interpreted as likely pathogenic.

NM_030665.4(RAI1):c.3467del (p.Phe1156fs)

Gene: RAI1 (retinoic acid induced 1; plus strand). Cytogenetic location: 17p11.2.
Variant type: Deletion.
Coding change: c.3467del on transcript NM_030665.4 (MANE Select); coding-DNA position 3467, one base deleted (T; older notation c.3467delT).
Protein change: p.Phe1156fs; shifts the reading frame from phenylalanine 1156.
Molecular consequence: frameshift variant.
Genome position (GRCh38, 1-based): chr17:17,796,415, T deleted; the last of 2 consecutive T bases (chr17:17,796,414-17,796,415); deleting either gives the same sequence. VCF-style (leftmost placement, unchanged base first): chr17-17796413-CT-C. GRCh37 (hg19) VCF-style: chr17-17699727-CT-C.
Other names: short protein forms F1156fs.
Identifiers: ClinVar variation 3346186 (VCV003346186.1).